The following is an entry in ClinVar:

ClinVar aggregate classification (germline): Uncertain significance (1 of 4 stars; one submission).

gnomAD v4.1: 1 of 1,613,770 alleles (0.000062%); highest among the groups gnomAD compares: Non-Finnish European, 0.000085%; no homozygotes.

Submission:

Labcorp Genetics (formerly Invitae), Labcorp
Classification: Uncertain significance. Last evaluated: 2021-12-02. Review status: criteria provided, single submitter. Criteria: Invitae Variant Classification Sherloc (09022015). Collection method: clinical testing. Allele origin: germline.
Comment: This sequence change replaces histidine, which is basic and polar, with glutamine, which is neutral and polar, at codon 1296 of the ZNF335 protein (p.His1296Gln). This variant is not present in population databases (gnomAD no frequency). This variant has not been reported in the literature in individuals affected with ZNF335-related conditions. Algorithms developed to predict the effect of missense changes on protein structure and function are either unavailable or do not agree on the potential impact of this missense change (SIFT: "Tolerated"; PolyPhen-2: "Probably Damaging"; Align-GVGD: "Class C0"). In summary, the available evidence is currently insufficient to determine the role of this variant in disease. Therefore, it has been classified as a Variant of Uncertain Significance.

NM_022095.4(ZNF335):c.3888C>A (p.His1296Gln)

Gene: ZNF335 (zinc finger protein 335; minus strand). Cytogenetic location: 20q13.12.
Variant type: single nucleotide variant.
Coding change: c.3888C>A on transcript NM_022095.4 (MANE Select); coding-DNA position 3888, C replaced by A.
Protein change: p.His1296Gln; replaces histidine 1296 with glutamine.
Molecular consequence: missense variant.
Genome position (GRCh38, 1-based): chr20:45,949,183, G>T on the plus strand (C>A on the coding strand, the complement: ZNF335 is on the minus strand). VCF-style: chr20-45949183-G-T. GRCh37 (hg19) VCF-style: chr20-44577822-G-T.
Other names: short protein forms H1296Q.
Identifiers: ClinVar variation 1487633 (VCV001487633.6), dbSNP rs1279130921, ClinGen allele CA409233012.